The following is an entry in ClinVar:

NM_001130969.3(NSMF):c.587G>A (p.Arg196His)

Gene: NSMF (NMDA receptor synaptonuclear signaling and neuronal migration factor; minus strand). Cytogenetic location: 9q34.3.
Variant type: single nucleotide variant.
Coding change: c.587G>A on transcript NM_001130969.3 (MANE Select); coding-DNA position 587, G replaced by A.
Protein change: p.Arg196His; replaces arginine 196 with histidine.
Molecular consequence: missense variant.
Genome position (GRCh38, 1-based): chr9:137,457,448, C>T on the plus strand (G>A on the coding strand, the complement: NSMF is on the minus strand). VCF-style: chr9-137457448-C-T. GRCh37 (hg19) VCF-style: chr9-140351900-C-T.
Other names: c.587G>A, p.Arg196His (NM_001130970.2, NM_001130971.2, NM_001178064.2 and 2 more transcripts); short protein forms R196H.
Identifiers: ClinVar variation 2735381 (VCV002735381.3), dbSNP rs770597015, ClinGen allele CA5370527.
Genomic context (GRCh38, chr9:137,457,448, plus strand): 5'-CCTGACACAAACCCCTCACCAGACACACGGTCAACGCTGTACATCCTCTCCAGCTTCTTG[C>T]GGCGACCGGAGGTCTCAGGCAGAGGTGGCTGGTCCAGCCCAAAGGCCCGAGGGGTGGGGC-3'
Protein context (NP_001124441.1, residues 186-206): QPPLPETSGR[Arg196His]KKLERMYSVD

ClinVar aggregate classification (germline): Uncertain significance (1 of 4 stars; one submission).

Allele frequency attached by ClinVar (database versions not stated): ExAC 0.00001; TOPMed 0.00002.

Submission:

Labcorp Genetics (formerly Invitae), Labcorp
Classification: Uncertain significance. Last evaluated: 2024-01-12. Review status: criteria provided, single submitter. Criteria: Invitae Variant Classification Sherloc (09022015). Collection method: clinical testing. Allele origin: germline.
Comment: This sequence change replaces arginine, which is basic and polar, with histidine, which is basic and polar, at codon 196 of the NSMF protein (p.Arg196His). This variant is present in population databases (rs770597015, gnomAD 0.004%). This variant has not been reported in the literature in individuals affected with NSMF-related conditions. Advanced modeling of protein sequence and biophysical properties (such as structural, functional, and spatial information, amino acid conservation, physicochemical variation, residue mobility, and thermodynamic stability) performed at Invitae indicates that this missense variant is not expected to disrupt NSMF protein function with a negative predictive value of 80%. In summary, the available evidence is currently insufficient to determine the role of this variant in disease. Therefore, it has been classified as a Variant of Uncertain Significance.